The following is an entry in ClinVar:

NM_000535.7(PMS2):c.633A>G (p.Arg211=)

Gene: PMS2 (PMS1 homolog 2, mismatch repair system component; minus strand). Cytogenetic location: 7p22.1.
Variant type: single nucleotide variant.
Coding change: c.633A>G on transcript NM_000535.7 (MANE Select); coding-DNA position 633, A replaced by G.
Protein change: p.Arg211=; no amino-acid change (arginine 211 retained).
Molecular consequence: synonymous variant. On other transcripts: 5 prime UTR variant (2), non-coding transcript variant (1), intron variant (9).
Genome position (GRCh38, 1-based): chr7:5,999,180, T>C on the plus strand (A>G on the coding strand, the complement: PMS2 is on the minus strand). VCF-style: chr7-5999180-T-C. GRCh37 (hg19) VCF-style: chr7-6038811-T-C.
Other names: c.228A>G, p.Arg76= (NM_001018040.1, NM_001322003.2, NM_001322004.2 and 20 more transcripts); c.633A>G, p.Arg211= (NM_001322006.2, NM_001322014.2, NM_001406870.1 and 4 more transcripts); c.315A>G, p.Arg105= (NM_001322007.2, NM_001322008.2, NM_001406876.1 and 4 more transcripts); c.-301A>G (NM_001322011.2, NM_001322012.2); c.324A>G, p.Arg108= (NM_001322015.2, NM_001406875.1, NM_001406877.1 and 6 more transcripts); c.819A>G, p.Arg273= (NM_001406866.1); c.657A>G, p.Arg219= (NM_001406868.1); c.297A>G, p.Arg99= (NM_001406885.1); and 6 more.
Identifiers: ClinVar variation 2682046 (VCV002682046.21), dbSNP rs1562678272, ClinGen allele CA453646953.

ClinVar aggregate classification (germline): Benign/Likely benign. Review status: criteria provided, multiple submitters, no conflicts (2 of 4 stars). 6 submissions from 6 submitters: Benign (1); Likely benign (4). 1 of the submissions does not count toward it. Last evaluated 2025-08-03.

Conditions:
PMS2-related disorder. Also called: PMS2-related condition.
Hereditary cancer-predisposing syndrome. Also called: Hereditary neoplastic syndrome; Neoplastic Syndromes, Hereditary; Tumor predisposition; Hereditary Cancer Syndrome. Identifiers: Orphanet 140162, MedGen C0027672, MeSH D009386, MONDO:0015356.
Lynch syndrome 4 (LYNCH4). Also called: Hereditary non-polyposis colorectal cancer, type 4; Colorectal cancer, hereditary nonpolyposis, type 4. Identifiers: Orphanet 144, MedGen C1838333, MONDO:0013699, OMIM 614337. Disease mechanism: loss of function.
Hereditary nonpolyposis colorectal neoplasms. Identifiers: MedGen C0009405, MeSH D003123.

Submissions (6):

Ambry Genetics
Classification: Likely benign for Hereditary cancer-predisposing syndrome. Last evaluated: 2025-08-03. Review status: criteria provided, single submitter. Criteria: Ambry Variant Classification Scheme 2023. Collection method: clinical testing. Allele origin: germline.

Myriad Genetics, Inc.
Classification: Benign for Lynch syndrome 4. Last evaluated: 2025-01-27. Review status: criteria provided, single submitter. Criteria: Myriad Autosomal Dominant, Autosomal Recessive and X-Linked Classification Criteria (2023). Collection method: clinical testing. Allele origin: unknown.
Comment: This variant is considered benign. This variant is a silent/synonymous amino acid change and it is not expected to impact splicing.

CeGaT Center for Human Genetics Tuebingen
Classification: Likely benign. Last evaluated: 2024-09-01. Review status: criteria provided, single submitter. Criteria: CeGaT Center For Human Genetics Tuebingen Variant Classification Criteria Version 2. Collection method: clinical testing. Allele origin: germline. Affected: yes. Observed: 1 variant allele.
Comment: PMS2: PM2:Supporting, BP4, BP7

Labcorp Genetics (formerly Invitae), Labcorp
Classification: Likely benign for Hereditary nonpolyposis colorectal neoplasms. Last evaluated: 2023-09-05. Review status: criteria provided, single submitter. Criteria: Invitae Variant Classification Sherloc (09022015). Collection method: clinical testing. Allele origin: germline.

Quest Diagnostics Nichols Institute San Juan Capistrano
Classification: Likely benign. Last evaluated: 2023-08-11. Review status: criteria provided, single submitter. Criteria: Quest Diagnostics criteria. Collection method: clinical testing. Allele origin: unknown.

PreventionGenetics, part of Exact Sciences
Classification: Likely benign for PMS2-related condition. Last evaluated: 2022-02-24. Review status: no assertion criteria provided. Collection method: clinical testing. Allele origin: germline. Not counted in ClinVar's aggregate classification.
Comment: This variant is classified as likely benign based on ACMG/AMP sequence variant interpretation guidelines (Richards et al. 2015 PMID: 25741868, with internal and published modifications).